The following is an entry in ClinVar:

NM_001042492.3(NF1):c.3005T>C (p.Leu1002Pro)

Gene: NF1 (neurofibromin 1; plus strand). Cytogenetic location: 17q11.2.
Variant type: single nucleotide variant.
Coding change: c.3005T>C on transcript NM_001042492.3 (MANE Select); coding-DNA position 3005, T replaced by C.
Protein change: p.Leu1002Pro; replaces leucine 1002 with proline.
Molecular consequence: missense variant.
Genome position (GRCh38, 1-based): chr17:31,230,274, T>C. VCF-style: chr17-31230274-T-C. GRCh37 (hg19) VCF-style: chr17-29557292-T-C.
Other names: c.3005T>C, p.Leu1002Pro (NM_000267.4); short protein forms L1002P.
Identifiers: ClinVar variation 3237710 (VCV003237710.4), dbSNP rs2151431497.
Genomic context (GRCh38, chr17:31,230,274, plus strand): 5'-TTTGTCTATATCTGATAATTTTTTTATTGTTTCTATGTCTATATAGGTATGTTCGTGTGC[T>C]TGGGAATATGGTCCATGCAATTCAAATAAAAACGAAACTGTGTCAATTAGTTGAAGTAAT-3'
Protein context (NP_001035957.1, residues 992-1012): MLNLVRYVRV[Leu1002Pro]GNMVHAIQIK

ClinVar aggregate classification (germline): Uncertain significance. Review status: criteria provided, multiple submitters, no conflicts (2 of 4 stars). 2 submissions from 2 submitters: Uncertain significance (2). Last evaluated 2025-11-07.

Conditions:
Hereditary cancer-predisposing syndrome. Also called: Hereditary Cancer Syndrome; Tumor predisposition; Neoplastic Syndromes, Hereditary; Hereditary neoplastic syndrome. Identifiers: Orphanet 140162, MedGen C0027672, MeSH D009386, MONDO:0015356.
Cardiovascular phenotype. Identifiers: MedGen CN230736.
Neurofibromatosis, type 1 (NF1). Also called: VON RECKLINGHAUSEN DISEASE; Neurofibromatosis, type I; NEUROFIBROMATOSIS, TYPE I, SOMATIC; Peripheral type neurofibromatosis. Identifiers: Orphanet 636, MedGen C0027831, MONDO:0018975, OMIM 162200. Disease mechanism: loss of function.

Submissions (2):

Ambry Genetics
Classification: Uncertain significance for Cardiovascular phenotype; Hereditary cancer-predisposing syndrome. Last evaluated: 2025-11-07. Review status: criteria provided, single submitter. Criteria: Ambry Variant Classification Scheme 2023. Collection method: clinical testing. Allele origin: germline.
Comment: The p.L1002P variant (also known as c.3005T>C), located in coding exon 23 of the NF1 gene, results from a T to C substitution at nucleotide position 3005. The leucine at codon 1002 is replaced by proline, an amino acid with similar properties. This amino acid position is conserved. In addition, the in silico prediction for this alteration is inconclusive. Based on the available evidence, the clinical significance of this variant remains unclear.

Labcorp Genetics (formerly Invitae), Labcorp
Classification: Uncertain significance for Neurofibromatosis, type 1. Last evaluated: 2025-02-03. Review status: criteria provided, single submitter. Criteria: Invitae Variant Classification Sherloc (09022015). Collection method: clinical testing. Allele origin: germline.
Comment: This sequence change replaces leucine, which is neutral and non-polar, with proline, which is neutral and non-polar, at codon 1002 of the NF1 protein (p.Leu1002Pro). This variant is not present in population databases (gnomAD no frequency). This variant has not been reported in the literature in individuals affected with NF1-related conditions. ClinVar contains an entry for this variant (Variation ID: 3237710). Invitae Evidence Modeling of protein sequence and biophysical properties (such as structural, functional, and spatial information, amino acid conservation, physicochemical variation, residue mobility, and thermodynamic stability) indicates that this missense variant is expected to disrupt NF1 protein function with a positive predictive value of 95%. In summary, the available evidence is currently insufficient to determine the role of this variant in disease. Therefore, it has been classified as a Variant of Uncertain Significance.